The following is an entry in ClinVar:

NM_000051.4(ATM):c.959T>A (p.Val320Glu)

Gene: ATM (ATM serine/threonine kinase; plus strand). Cytogenetic location: 11q22.3.
Variant type: single nucleotide variant.
Coding change: c.959T>A on transcript NM_000051.4 (MANE Select); coding-DNA position 959, T replaced by A.
Protein change: p.Val320Glu; replaces valine 320 with glutamic acid.
Molecular consequence: missense variant.
Genome position (GRCh38, 1-based): chr11:108,247,021, T>A. VCF-style: chr11-108247021-T-A. GRCh37 (hg19) VCF-style: chr11-108117748-T-A.
Other names: c.959T>A, p.Val320Glu (NM_001351834.2); short protein forms V320E.
Identifiers: ClinVar variation 2818204 (VCV002818204.4), dbSNP rs2135266243, ClinGen allele CA382530928.

ClinVar aggregate classification (germline): Uncertain significance. Review status: criteria provided, multiple submitters, no conflicts (2 of 4 stars). 2 submissions from 2 submitters: Uncertain significance (2). Last evaluated 2024-06-12.

Conditions:
Hereditary cancer-predisposing syndrome. Also called: Neoplastic Syndromes, Hereditary; Hereditary Cancer Syndrome; Hereditary neoplastic syndrome; Tumor predisposition. Identifiers: Orphanet 140162, MedGen C0027672, MeSH D009386, MONDO:0015356.
Ataxia-telangiectasia syndrome (AT). Also called: ATAXIA-TELANGIECTASIA, COMPLEMENTATION GROUP A; Ataxia telangiectasia (A-T); Cerebello-oculocutaneous telangiectasia; Immunodeficiency with ataxia telangiectasia; LOUIS-BAR SYNDROME; ATAXIA-TELANGIECTASIA, FRESNO VARIANT. Identifiers: Orphanet 100, MedGen C0004135, MONDO:0008840, OMIM 208900.

Submissions (2):

Labcorp Genetics (formerly Invitae), Labcorp
Classification: Uncertain significance for Ataxia-telangiectasia syndrome. Last evaluated: 2024-06-12. Review status: criteria provided, single submitter. Criteria: Invitae Variant Classification Sherloc (09022015). Collection method: clinical testing. Allele origin: germline.
Comment: This sequence change replaces valine, which is neutral and non-polar, with glutamic acid, which is acidic and polar, at codon 320 of the ATM protein (p.Val320Glu). This variant is not present in population databases (gnomAD no frequency). This variant has not been reported in the literature in individuals affected with ATM-related conditions. An algorithm developed to predict the effect of missense changes on protein structure and function (PolyPhen-2) suggests that this variant is likely to be disruptive. In summary, the available evidence is currently insufficient to determine the role of this variant in disease. Therefore, it has been classified as a Variant of Uncertain Significance.

Ambry Genetics
Classification: Uncertain significance for Hereditary cancer-predisposing syndrome. Last evaluated: 2023-11-25. Review status: criteria provided, single submitter. Criteria: Ambry Variant Classification Scheme 2023. Collection method: clinical testing. Allele origin: germline.
Comment: The p.V320E variant (also known as c.959T>A), located in coding exon 7 of the ATM gene, results from a T to A substitution at nucleotide position 959. The valine at codon 320 is replaced by glutamic acid, an amino acid with dissimilar properties. This amino acid position is conserved. In addition, the in silico prediction for this alteration is inconclusive. Since supporting evidence is limited at this time, the clinical significance of this alteration remains unclear.